The following is an entry in ClinVar:

NM_032043.3(BRIP1):c.2229T>G (p.Tyr743Ter)

Gene: BRIP1 (BRCA1 interacting DNA helicase 1; minus strand). Cytogenetic location: 17q23.2.
Variant type: single nucleotide variant.
Coding change: c.2229T>G on transcript NM_032043.3 (MANE Select); coding-DNA position 2229, T replaced by G.
Protein change: p.Tyr743Ter; replaces tyrosine 743 with a stop codon.
Molecular consequence: nonsense.
Genome position (GRCh38, 1-based): chr17:61,744,460, A>C on the plus strand (T>G on the coding strand, the complement: BRIP1 is on the minus strand). VCF-style: chr17-61744460-A-C. GRCh37 (hg19) VCF-style: chr17-59821821-A-C.
Other names: short protein forms Y743*.
Identifiers: ClinVar variation 959363 (VCV000959363.11), dbSNP rs2077030288, ClinGen allele CA400482907.
Genomic context (GRCh38, chr17:61,744,460, plus strand): 5'-TTTTCACCGACCATGAAATAATTTCCAGTTACCTTTCTCTCCTTTGTATTTGATTGCGTC[A>C]TAGTACACCTGCAGTAATTCATCAAAATTTGTTTTTTCTCCTCCCTGTGGTTCTACAATG-3'

ClinVar aggregate classification (germline): Pathogenic. Review status: criteria provided, multiple submitters, no conflicts (2 of 4 stars). 3 submissions from 3 submitters: Pathogenic (3). Last evaluated 2025-10-07.

Conditions:
Familial cancer of breast. Also called: Hereditary breast cancer; BREAST CANCER, FAMILIAL; hereditary breast carcinoma. Identifiers: Orphanet 227535, MedGen C0346153, MONDO:0016419, OMIM 114480. Disease mechanism: loss of function.
Fanconi anemia complementation group J. Also called: BRIP1-Related Fanconi Anemia. Identifiers: Orphanet 84, MedGen C1836860, MONDO:0012187, OMIM 609054.
Hereditary cancer-predisposing syndrome. Also called: Hereditary neoplastic syndrome; Tumor predisposition; Neoplastic Syndromes, Hereditary; Hereditary Cancer Syndrome. Identifiers: Orphanet 140162, MedGen C0027672, MeSH D009386, MONDO:0015356.

Submissions (3):

Labcorp Genetics (formerly Invitae), Labcorp
Classification: Pathogenic for Familial cancer of breast; Fanconi anemia complementation group J. Last evaluated: 2025-10-07. Review status: criteria provided, single submitter. Criteria: Invitae Variant Classification Sherloc (09022015). Collection method: clinical testing. Allele origin: germline.
Comment: This sequence change creates a premature translational stop signal (p.Tyr743*) in the BRIP1 gene. It is expected to result in an absent or disrupted protein product. Loss-of-function variants in BRIP1 are known to be pathogenic (PMID: 16116423, 17033622, 21964575). This variant is not present in population databases (gnomAD no frequency). This variant has not been reported in the literature in individuals affected with BRIP1-related conditions. ClinVar contains an entry for this variant (Variation ID: 959363). For these reasons, this variant has been classified as Pathogenic.

Ambry Genetics
Classification: Pathogenic for Hereditary cancer-predisposing syndrome. Last evaluated: 2024-03-27. Review status: criteria provided, single submitter. Criteria: Ambry Variant Classification Scheme 2023. Collection method: clinical testing. Allele origin: germline.
Comment: The p.Y743* pathogenic mutation (also known as c.2229T>G), located in coding exon 14 of the BRIP1 gene, results from a T to G substitution at nucleotide position 2229. This changes the amino acid from a tyrosine to a stop codon within coding exon 14. This variant is considered to be rare based on population cohorts in the Genome Aggregation Database (gnomAD). This alteration is expected to result in loss of function by premature protein truncation or nonsense-mediated mRNA decay. As such, this alteration is interpreted as a disease-causing mutation.

Myriad Genetics, Inc.
Classification: Pathogenic for Familial cancer of breast. Last evaluated: 2023-06-06. Review status: criteria provided, single submitter. Criteria: Myriad Autosomal Dominant, Autosomal Recessive and X-Linked Classification Criteria (2023). Collection method: clinical testing. Allele origin: unknown.
Comment: This variant is considered pathogenic. This variant creates a termination codon and is predicted to result in premature protein truncation.

Literature cited by the submitters: PubMed 16116423 (cited by Labcorp Genetics (formerly Invitae), Labcorp); PubMed 17033622 (cited by Labcorp Genetics (formerly Invitae), Labcorp); PubMed 21964575 (cited by Labcorp Genetics (formerly Invitae), Labcorp).